The following is an entry in ClinVar:

NM_001042492.3(NF1):c.3773G>A (p.Trp1258Ter)

Gene: NF1 (neurofibromin 1; plus strand). Cytogenetic location: 17q11.2.
Variant type: single nucleotide variant.
Coding change: c.3773G>A on transcript NM_001042492.3 (MANE Select); coding-DNA position 3773, G replaced by A.
Protein change: p.Trp1258Ter; replaces tryptophan 1258 with a stop codon.
Molecular consequence: nonsense.
Genome position (GRCh38, 1-based): chr17:31,235,675, G>A. VCF-style: chr17-31235675-G-A. GRCh37 (hg19) VCF-style: chr17-29562693-G-A.
Other names: c.3773G>A, p.Trp1258Ter (NM_000267.4); short protein forms W1258*.
Identifiers: ClinVar variation 527540 (VCV000527540.6), dbSNP rs1555615458, ClinGen allele CA398992543.
Genomic context (GRCh38, chr17:31,235,675, plus strand): 5'-AACTAGCTCGAGTTCTGGTTACTCTGTTTGATTCTCGGCATTTACTCTACCAACTGCTCT[G>A]GAACATGTTTTCTAAAGAAGTAGAATTGGCAGACTCCATGCAGACTCTCTTCCGAGGCAA-3'

ClinVar aggregate classification (germline): Pathogenic. Review status: criteria provided, multiple submitters, no conflicts (2 of 4 stars). 2 submissions from 2 submitters: Pathogenic (2). Last evaluated 2025-09-11.

Conditions:
Cardiovascular phenotype. Identifiers: MedGen CN230736.
Hereditary cancer-predisposing syndrome. Also called: Neoplastic Syndromes, Hereditary; Tumor predisposition; Hereditary neoplastic syndrome; Hereditary Cancer Syndrome. Identifiers: Orphanet 140162, MedGen C0027672, MeSH D009386, MONDO:0015356.
Neurofibromatosis, type 1 (NF1). Also called: VON RECKLINGHAUSEN DISEASE; NEUROFIBROMATOSIS, TYPE I, SOMATIC; Peripheral type neurofibromatosis; Neurofibromatosis, type I. Identifiers: Orphanet 636, MedGen C0027831, MONDO:0018975, OMIM 162200. Disease mechanism: loss of function.

Submissions (2):

Ambry Genetics
Classification: Pathogenic for Cardiovascular phenotype; Hereditary cancer-predisposing syndrome. Last evaluated: 2025-09-11. Review status: criteria provided, single submitter. Criteria: Ambry Variant Classification Scheme 2023. Collection method: clinical testing. Allele origin: germline.
Comment: The p.W1258* pathogenic mutation (also known as c.3773G>A), located in coding exon 28 of the NF1 gene, results from a G to A substitution at nucleotide position 3773. This changes the amino acid from a tryptophan to a stop codon within coding exon 28. This variant was reported in individual(s) with features consistent with neurofibromatosis type 1 (NF1) (Fahsold R et al. Am J Hum Genet, 2000 Mar;66:790-818; Sabbagh A et al. Hum Mutat, 2013 Nov;34:1510-8). This variant is considered to be rare based on population cohorts in the Genome Aggregation Database (gnomAD). This alteration is expected to result in loss of function by premature protein truncation or nonsense-mediated mRNA decay. As such, this alteration is interpreted as a disease-causing mutation.

Labcorp Genetics (formerly Invitae), Labcorp
Classification: Pathogenic for Neurofibromatosis, type 1. Last evaluated: 2022-10-01. Review status: criteria provided, single submitter. Criteria: Invitae Variant Classification Sherloc (09022015). Collection method: clinical testing. Allele origin: germline.
Comment: ClinVar contains an entry for this variant (Variation ID: 527540). This premature translational stop signal has been observed in individual(s) with neurofibromatosis type 1 (NF1) (PMID: 10712197). This variant is not present in population databases (gnomAD no frequency). This sequence change creates a premature translational stop signal (p.Trp1258*) in the NF1 gene. It is expected to result in an absent or disrupted protein product. Loss-of-function variants in NF1 are known to be pathogenic (PMID: 10712197, 23913538). Algorithms developed to predict the effect of sequence changes on RNA splicing suggest that this variant may create or strengthen a splice site. For these reasons, this variant has been classified as Pathogenic.

Literature cited by the submitters: PubMed 10712197 (cited by Ambry Genetics and Labcorp Genetics (formerly Invitae), Labcorp); PubMed 23913538 (cited by Ambry Genetics and Labcorp Genetics (formerly Invitae), Labcorp).